The following is an entry in ClinVar:

NM_015335.5(MED13L):c.859A>G (p.Ile287Val)

Gene: MED13L (mediator complex subunit 13L; minus strand). Cytogenetic location: 12q24.21.
Variant type: single nucleotide variant.
Coding change: c.859A>G on transcript NM_015335.5 (MANE Select); coding-DNA position 859, A replaced by G.
Protein change: p.Ile287Val; replaces isoleucine 287 with valine.
Molecular consequence: missense variant.
Genome position (GRCh38, 1-based): chr12:116,019,374, T>C on the plus strand (A>G on the coding strand, the complement: MED13L is on the minus strand). VCF-style: chr12-116019374-T-C. GRCh37 (hg19) VCF-style: chr12-116457179-T-C.
Other names: short protein forms I287V.
Identifiers: ClinVar variation 4885722 (VCV004885722.2).

ClinVar aggregate classification (germline): Uncertain significance (1 of 4 stars; one submission).

Submission:

Dasa
Classification: Uncertain significance. Last evaluated: 2026-01-26. Review status: criteria provided, single submitter. Criteria: DASA Assertion Criteria. Collection method: clinical testing. Allele origin: germline.
Comment: NM_015335.5(MED13L):c.859A>G (p.Ile287Val) is a missense variant that results in the substitution of isoleucine with valine. This variant is absent from population databases. The currently available literature and clinical evidence are not sufficient to establish a definitive association between this variant and the reported condition. Therefore, this variant is classified as a variant of uncertain significance.